The following is an entry in ClinVar:

ClinVar aggregate classification (germline): Uncertain significance (1 of 4 stars; one submission).

Allele frequency attached by ClinVar (database versions not stated): gnomAD 0.00003; gnomAD exomes 0.00006.
gnomAD v4.1: 97 of 1,613,394 alleles (0.006%); highest among the groups gnomAD compares: Non-Finnish European, 0.0081%; no homozygotes.

Submission:

Labcorp Genetics (formerly Invitae), Labcorp
Classification: Uncertain significance. Last evaluated: 2024-10-02. Review status: criteria provided, single submitter. Criteria: Invitae Variant Classification Sherloc (09022015). Collection method: clinical testing. Allele origin: germline.
Comment: This sequence change replaces aspartic acid, which is acidic and polar, with valine, which is neutral and non-polar, at codon 25 of the IKZF1 protein (p.Asp25Val). This variant is present in population databases (no rsID available, gnomAD 0.003%). This variant has not been reported in the literature in individuals affected with IKZF1-related conditions. An algorithm developed to predict the effect of missense changes on protein structure and function (PolyPhen-2) suggests that this variant is likely to be disruptive. In summary, the available evidence is currently insufficient to determine the role of this variant in disease. Therefore, it has been classified as a Variant of Uncertain Significance.

NM_006060.6(IKZF1):c.74A>T (p.Asp25Val)

Gene: IKZF1 (IKAROS family zinc finger 1; plus strand). Cytogenetic location: 7p12.2.
Variant type: single nucleotide variant.
Coding change: c.74A>T on transcript NM_006060.6 (MANE Select); coding-DNA position 74, A replaced by T.
Protein change: p.Asp25Val; replaces aspartic acid 25 with valine.
Molecular consequence: missense variant.
Genome position (GRCh38, 1-based): chr7:50,327,671, A>T. VCF-style: chr7-50327671-A-T. GRCh37 (hg19) VCF-style: chr7-50367267-A-T.
Other names: c.74A>T, p.Asp25Val (NM_001220765.3, NM_001220767.2, NM_001220768.2 and 14 more transcripts); short protein forms D25V.
Identifiers: ClinVar variation 2881090 (VCV002881090.3), dbSNP rs919149752, ClinGen allele CA158661181.